The following is an entry in ClinVar:

NM_020778.5(ALPK3):c.4571G>A (p.Gly1524Asp)

Gene: ALPK3 (alpha kinase 3; plus strand). Cytogenetic location: 15q25.3.
Variant type: single nucleotide variant.
Coding change: c.4571G>A on transcript NM_020778.5 (MANE Select); coding-DNA position 4571, G replaced by A.
Protein change: p.Gly1524Asp; replaces glycine 1524 with aspartic acid.
Molecular consequence: missense variant.
Genome position (GRCh38, 1-based): chr15:84,864,513, G>A. VCF-style: chr15-84864513-G-A. GRCh37 (hg19) VCF-style: chr15-85407744-G-A.
Other names: short protein forms G1524D.
Identifiers: ClinVar variation 3532913 (VCV003532913.1).
Genomic context (GRCh38, chr15:84,864,513, plus strand): 5'-TGTATCTGATCTACCGGCCTGCAAACAATATCCCATATGCTACCCTGGAGGAAGACCTGG[G>A]CAAGCCCCTGGAGTCTTACTGTTCTCGGGAATGGGGCTGTGCTGAGGCTCCGACAGCATC-3'
Protein context (NP_065829.4, residues 1514-1534): IPYATLEEDL[Gly1524Asp]KPLESYCSRE

ClinVar aggregate classification (germline): Uncertain significance (1 of 4 stars; one submission).

Conditions:
Cardiovascular phenotype. Identifiers: MedGen CN230736.

gnomAD v4.1: 9 of 1,614,088 alleles (0.00056%); highest among the groups gnomAD compares: African/African-American, 0.0013%; no homozygotes.

Submission:

Ambry Genetics
Classification: Uncertain significance for Cardiovascular phenotype. Last evaluated: 2024-07-17. Review status: criteria provided, single submitter. Criteria: Ambry Variant Classification Scheme 2023. Collection method: clinical testing. Allele origin: germline.
Comment: The p.G1726D variant (also known as c.5177G>A), located in coding exon 12 of the ALPK3 gene, results from a G to A substitution at nucleotide position 5177. The glycine at codon 1726 is replaced by aspartic acid, an amino acid with similar properties. This amino acid position is conserved. In addition, this alteration is predicted to be tolerated by in silico analysis. Based on the available evidence, the clinical significance of this variant remains unclear.